The following is an entry in ClinVar:

NM_001557.4(CXCR2):c.475C>T (p.Arg159Cys)

Gene: CXCR2 (C-X-C motif chemokine receptor 2; plus strand). Cytogenetic location: 2q35.
Variant type: single nucleotide variant.
Coding change: c.475C>T on transcript NM_001557.4 (MANE Select); coding-DNA position 475, C replaced by T.
Protein change: p.Arg159Cys; replaces arginine 159 with cysteine.
Molecular consequence: missense variant.
Genome position (GRCh38, 1-based): chr2:218,135,276, C>T. VCF-style: chr2-218135276-C-T. GRCh37 (hg19) VCF-style: chr2-218999999-C-T.
Other names: c.475C>T, p.Arg159Cys (NM_001168298.2); c.475C>T (NM_001557.3); short protein forms R159C.
Identifiers: ClinVar variation 2200001 (VCV002200001.3), dbSNP rs200940650, ClinGen allele CA2101712.
Genomic context (GRCh38, chr2:218,135,276, plus strand): 5'-TGCATCAGTGTGGACCGTTACCTGGCCATTGTCCATGCCACACGCACACTGACCCAGAAG[C>T]GCTACTTGGTCAAATTCATATGTCTCAGCATCTGGGGTCTGTCCTTGCTCCTGGCCCTGC-3'
Protein context (NP_001548.1, residues 149-169): VHATRTLTQK[Arg159Cys]YLVKFICLSI

ClinVar aggregate classification (germline): Uncertain significance. Review status: criteria provided, multiple submitters, no conflicts (2 of 4 stars). 2 submissions from 2 submitters: Uncertain significance (2). Last evaluated 2024-10-06.

Allele frequency attached by ClinVar (database versions not stated): gnomAD 0.00001; TOPMed 0.00001; ExAC 0.00002.
gnomAD v4.1: 16 of 1,614,086 alleles (0.00099%); highest among the groups gnomAD compares: African/African-American, 0.0027%; no homozygotes.

Submissions (2):

Ambry Genetics
Classification: Uncertain significance. Last evaluated: 2024-10-06. Review status: criteria provided, single submitter. Criteria: Ambry Variant Classification Scheme 2023. Collection method: clinical testing. Allele origin: germline.

Labcorp Genetics (formerly Invitae), Labcorp
Classification: Uncertain significance. Last evaluated: 2023-10-25. Review status: criteria provided, single submitter. Criteria: Invitae Variant Classification Sherloc (09022015). Collection method: clinical testing. Allele origin: germline.
Comment: This sequence change replaces arginine, which is basic and polar, with cysteine, which is neutral and slightly polar, at codon 159 of the CXCR2 protein (p.Arg159Cys). This variant is present in population databases (rs200940650, gnomAD 0.004%). This variant has not been reported in the literature in individuals affected with CXCR2-related conditions. ClinVar contains an entry for this variant (Variation ID: 2200001). An algorithm developed to predict the effect of missense changes on protein structure and function (PolyPhen-2) suggests that this variant is likely to be disruptive. In summary, the available evidence is currently insufficient to determine the role of this variant in disease. Therefore, it has been classified as a Variant of Uncertain Significance.